The following is an entry in ClinVar:

ClinVar aggregate classification (germline): Conflicting classifications of pathogenicity. Review status: criteria provided, conflicting classifications (1 of 4 stars). 4 submissions from 4 submitters: Likely pathogenic (1); Uncertain significance (3). Last evaluated 2025-09-10.

Conditions:
Hemorrhage, intracerebral, susceptibility to (ICH). Also called: Stroke, hemorrhagic, susceptibility to. Identifiers: MedGen C3281105, MONDO:0100533, OMIM 614519.
Brain small vessel disease 2A, autosomal dominant. Also called: Porencephaly 2. Identifiers: Orphanet 2940, Orphanet 99810, MedGen C3280970, MONDO:0013773, OMIM 614483.

Submissions (4):

Genomic Medicine Center of Excellence, King Faisal Specialist Hospital and Research Centre
Classification: Likely pathogenic for Hemorrhage, intracerebral, susceptibility to. Last evaluated: 2025-09-10. Review status: criteria provided, single submitter. Criteria: ACMG Guidelines, 2015. Collection method: clinical testing. Allele origin: germline.

Labcorp Genetics (formerly Invitae), Labcorp
Classification: Uncertain significance. Last evaluated: 2024-02-02. Review status: criteria provided, single submitter. Criteria: Invitae Variant Classification Sherloc (09022015). Collection method: clinical testing. Allele origin: germline.
Comment: This variant, c.5010_5012del, results in the deletion of 1 amino acid(s) of the COL4A2 protein (p.Asn1670del), but otherwise preserves the integrity of the reading frame. This variant is present in population databases (rs781056404, gnomAD 0.004%). This variant has not been reported in the literature in individuals affected with COL4A2-related conditions. Experimental studies and prediction algorithms are not available or were not evaluated, and the functional significance of this variant is currently unknown. In summary, the available evidence is currently insufficient to determine the role of this variant in disease. Therefore, it has been classified as a Variant of Uncertain Significance.

Department of Pathology and Laboratory Medicine, Sinai Health System
Classification: Uncertain significance for porencephaly 2. Last evaluated: 2022-08-16. Review status: criteria provided, single submitter. Criteria: ACMG Guidelines, 2015. Collection method: research. Allele origin: germline.

GeneDx
Classification: Uncertain significance. Last evaluated: 2022-07-21. Review status: criteria provided, single submitter. Criteria: GeneDx Variant Classification Process June 2021. Collection method: clinical testing. Allele origin: germline. Affected: yes.
Comment: In-frame deletion of 1 amino acid in a non-repeat region; In silico analysis supports a deleterious effect on protein structure/function; Has not been previously published as pathogenic or benign to our knowledge

NM_001846.4(COL4A2):c.5007CAA[1] (p.Asn1670del)

Gene: COL4A2 (collagen type IV alpha 2 chain; plus strand). Cytogenetic location: 13q34.
Variant type: Microsatellite.
Coding change: c.5007CAA[1] on transcript NM_001846.4 (MANE Select); one copy of the 3-base unit CAA starting at c.5007; the reference has two copies in a row; one copy, 3 bases deleted; also written c.5010_5012del.
Protein change: p.Asn1670del; deletes asparagine 1670.
Molecular consequence: inframe deletion.
Genome position (GRCh38, 1-based): chr13:110,512,062-110,512,064, CAA deleted; deleting any 3 consecutive bases within chr13:110,512,059-110,512,064 gives the same sequence; the position shown is the placement nearest the transcript's 3' end. VCF-style (leftmost placement, unchanged base first): chr13-110512058-CCAA-C. GRCh37 (hg19) VCF-style: chr13-111164405-CCAA-C.
Other names: c.5010_5012delCAA (NM_001846.2); c.5010_5012del (NM_001846.4); short protein forms N1670del.
Identifiers: ClinVar variation 450830 (VCV000450830.9), dbSNP rs781056404, ClinGen allele CA7050749.